The following is an entry in ClinVar:

NM_002471.4(MYH6):c.2575_2577delinsACA (p.Gly859Thr)

Gene: MYH6 (myosin heavy chain 6; minus strand). Cytogenetic location: 14q11.2.
Variant type: Indel.
Coding change: c.2575_2577delinsACA on transcript NM_002471.4 (MANE Select); coding-DNA positions 2575 to 2577, GGG replaced by ACA.
Protein change: p.Gly859Thr; replaces glycine 859 with threonine.
Molecular consequence: missense variant.
Genome position (GRCh38, 1-based): chr14:23,394,176-23,394,178, CCC replaced by TGT on the plus strand (GGG replaced by ACA on the coding strand, the reverse complement: MYH6 is on the minus strand). VCF-style: chr14-23394176-CCC-TGT. GRCh37 (hg19) VCF-style: chr14-23863385-CCC-TGT.
Other names: short protein forms G859T.
Identifiers: ClinVar variation 3656335 (VCV003656335.2).

ClinVar aggregate classification (germline): Uncertain significance (1 of 4 stars; one submission).

Conditions:
Hypertrophic cardiomyopathy 14. Identifiers: MedGen C2750467, MONDO:0013197, OMIM 613251.

Submission:

Labcorp Genetics (formerly Invitae), Labcorp
Classification: Uncertain significance for Hypertrophic cardiomyopathy 14. Last evaluated: 2024-06-12. Review status: criteria provided, single submitter. Criteria: Invitae Variant Classification Sherloc (09022015). Collection method: clinical testing. Allele origin: germline.
Comment: This sequence change replaces glycine, which is neutral and non-polar, with threonine, which is neutral and polar, at codon 859 of the MYH6 protein (p.Gly859Thr). Information on the frequency of this variant in the gnomAD database is not available, as this variant may be reported differently in the database. This variant has not been reported in the literature in individuals affected with MYH6-related conditions. An algorithm developed to predict the effect of missense changes on protein structure and function (PolyPhen-2) suggests that this variant is likely to be tolerated. In summary, the available evidence is currently insufficient to determine the role of this variant in disease. Therefore, it has been classified as a Variant of Uncertain Significance.